The following is an entry in ClinVar:

ClinVar aggregate classification (germline): Uncertain significance (1 of 4 stars; one submission).

Conditions:
Blau syndrome (BLAUS). Also called: JABS SYNDROME; ARTHROCUTANEOUVEAL GRANULOMATOSIS; GRANULOMATOSIS, FAMILIAL JUVENILE SYSTEMIC; GRANULOMATOSIS, FAMILIAL, BLAU TYPE; GRANULOMATOUS INFLAMMATORY ARTHRITIS, DERMATITIS, AND UVEITIS, FAMILIAL. Identifiers: Orphanet 90340, MedGen C5201146, MONDO:0008523, OMIM 186580.
Regional enteritis. Also called: Enteritis, Granulomatous. Identifiers: MedGen C0678202, MeSH D003424.

gnomAD v4.1: 17 of 1,612,622 alleles (0.0011%); highest among the groups gnomAD compares: South Asian, 0.0033%; no homozygotes.

Submission:

Labcorp Genetics (formerly Invitae), Labcorp
Classification: Uncertain significance for Regional enteritis; Blau syndrome. Last evaluated: 2022-08-19. Review status: criteria provided, single submitter. Criteria: Invitae Variant Classification Sherloc (09022015). Collection method: clinical testing. Allele origin: germline.
Comment: This variant is present in population databases (no rsID available, gnomAD 0.0009%). In summary, the available evidence is currently insufficient to determine the role of this variant in disease. Therefore, it has been classified as a Variant of Uncertain Significance. Advanced modeling of protein sequence and biophysical properties (such as structural, functional, and spatial information, amino acid conservation, physicochemical variation, residue mobility, and thermodynamic stability) performed at Invitae indicates that this missense variant is not expected to disrupt NOD2 protein function. ClinVar contains an entry for this variant (Variation ID: 581664). This variant has not been reported in the literature in individuals affected with NOD2-related conditions. This sequence change replaces arginine, which is basic and polar, with histidine, which is basic and polar, at codon 543 of the NOD2 protein (p.Arg543His).

NM_001370466.1(NOD2):c.1547G>A (p.Arg516His)

Gene: NOD2 (nucleotide binding oligomerization domain containing 2; plus strand). Cytogenetic location: 16q12.1.
Variant type: single nucleotide variant.
Coding change: c.1547G>A on transcript NM_001370466.1 (MANE Select); coding-DNA position 1547, G replaced by A.
Protein change: p.Arg516His; replaces arginine 516 with histidine.
Molecular consequence: missense variant. On other transcripts: non-coding transcript variant (1).
Genome position (GRCh38, 1-based): chr16:50,711,539, G>A. VCF-style: chr16-50711539-G-A. GRCh37 (hg19) VCF-style: chr16-50745450-G-A.
Other names: c.1547G>A, p.Arg516His (NM_001293557.2); c.1628G>A, p.Arg543His (NM_022162.3); short protein forms R543H, R516H.
Identifiers: ClinVar variation 581664 (VCV000581664.9), dbSNP rs772534917, ClinGen allele CA395869300.